The following is an entry in ClinVar:

ClinVar aggregate classification (germline): Benign/Likely benign. Review status: criteria provided, multiple submitters, no conflicts (2 of 4 stars). 10 submissions from 10 submitters: Benign (6); Likely benign (1). 3 of the submissions do not count toward it. Last evaluated 2026-05-08.

Conditions:
Iodotyrosyl coupling defect (TDH3). Also called: THYROID HORMONOGENESIS, GENETIC DEFECT IN, 3; HYPOTHYROIDISM, CONGENITAL, DUE TO DYSHORMONOGENESIS, 3. Identifiers: Orphanet 95716, MedGen C0342194, MONDO:0010135, OMIM 274700.
Autoimmune thyroid disease, susceptibility to, 3. Identifiers: MedGen C1842444, MONDO:0011982, OMIM 608175.

Allele frequency attached by ClinVar (database versions not stated): TOPMed 0.60916; 1000 Genomes Project 30x 0.67489; 1000 Genomes Project 0.67632.
gnomAD v4.1: 875,912 of 1,613,142 alleles (54%); highest among the groups gnomAD compares: East Asian, 76%; 242,273 homozygotes.

Submissions (10):

Women's Health and Genetics/Laboratory Corporation of America, LabCorp
Classification: Benign. Last evaluated: 2026-05-08. Review status: criteria provided, single submitter. Criteria: LabCorp Variant Classification Summary - May 2015. Collection method: clinical testing. Allele origin: germline.

Labcorp Genetics (formerly Invitae), Labcorp
Classification: Benign. Last evaluated: 2026-02-04. Review status: criteria provided, single submitter. Criteria: Invitae Variant Classification Sherloc (09022015). Collection method: clinical testing. Allele origin: germline.

Blueprint Genetics
Classification: Likely benign. Last evaluated: 2024-11-27. Review status: criteria provided, single submitter. Criteria: ACMG Guidelines, 2015. Collection method: clinical testing. Allele origin: germline.

Genome-Nilou Lab
Classification: Benign for Iodotyrosyl coupling defect. Last evaluated: 2021-09-10. Review status: criteria provided, single submitter. Criteria: ACMG Guidelines, 2015. Collection method: clinical testing. Allele origin: germline. Affected: no.

Illumina Laboratory Services, Illumina
Classification: Benign for Iodotyrosyl coupling defect. Last evaluated: 2018-01-13. Review status: criteria provided, single submitter. Criteria: ICSL Variant Classification Criteria 13 December 2019. Collection method: clinical testing. Allele origin: germline.
Comment: This variant was observed in the ICSL laboratory as part of a predisposition screen in an ostensibly healthy population. It had not been previously curated by ICSL or reported in the Human Gene Mutation Database (HGMD: prior to June 1st, 2018), and was therefore a candidate for classification through an automated scoring system. Utilizing variant allele frequency, disease prevalence and penetrance estimates, and inheritance mode, an automated score was calculated to assess if this variant is too frequent to cause the disease. Based on the score and internal cut-off values, a variant classified as benign is not then subjected to further curation. The score for this variant resulted in a classification of benign for this disease.

Breakthrough Genomics
Classification: Benign. Review status: criteria provided, single submitter. Criteria: ACMG Guidelines, 2015. Collection method: not provided. Allele origin: germline. Inheritance: Autosomal recessive inheritance. Affected: yes.

PreventionGenetics, part of Exact Sciences
Classification: Benign. Review status: criteria provided, single submitter. Criteria: ACMG Guidelines, 2015. Collection method: clinical testing. Allele origin: germline.

OMIM
Classification: risk factor for AUTOIMMUNE THYROID DISEASE, SUSCEPTIBILITY TO, 3. Last evaluated: 2004-12-01. Review status: no assertion criteria provided. Collection method: literature only. Allele origin: germline. Not counted in ClinVar's aggregate classification.

Clinical Genetics, Academic Medical Center
Classification: Benign. Review status: no assertion criteria provided. Collection method: clinical testing. Allele origin: germline. Affected: yes. Study: VKGL Data-share Consensus. Not counted in ClinVar's aggregate classification.

Diagnostic Laboratory, Department of Genetics, University Medical Center Groningen
Classification: Benign. Review status: no assertion criteria provided. Collection method: clinical testing. Allele origin: germline. Affected: yes. Study: VKGL Data-share Consensus. Not counted in ClinVar's aggregate classification.

Literature cited by the submitters: PubMed 14657345 (cited by OMIM); PubMed 15579800 (cited by OMIM).

NM_003235.5(TG):c.2200T>G (p.Ser734Ala)

Gene: TG (thyroglobulin; plus strand). Cytogenetic location: 8q24.22.
Variant type: single nucleotide variant.
Coding change: c.2200T>G on transcript NM_003235.5 (MANE Select); coding-DNA position 2200, T replaced by G.
Protein change: p.Ser734Ala; replaces serine 734 with alanine.
Molecular consequence: missense variant.
Genome position (GRCh38, 1-based): chr8:132,888,007, T>G. VCF-style: chr8-132888007-T-G. GRCh37 (hg19) VCF-style: chr8-133900252-T-G.
Other names: short protein forms S734A.
Identifiers: ClinVar variation 12697 (VCV000012697.18), dbSNP rs180223, ClinGen allele CA122636.